The following is an entry in ClinVar:

NM_000170.3(GLDC):c.636A>G (p.Arg212=)

Gene: GLDC (glycine decarboxylase; minus strand). Cytogenetic location: 9p24.1.
Variant type: single nucleotide variant.
Coding change: c.636A>G on transcript NM_000170.3 (MANE Select); coding-DNA position 636, A replaced by G.
Protein change: p.Arg212=; no amino-acid change (arginine 212 retained).
Molecular consequence: synonymous variant.
Genome position (GRCh38, 1-based): chr9:6,606,669, T>C on the plus strand (A>G on the coding strand, the complement: GLDC is on the minus strand). VCF-style: chr9-6606669-T-C. GRCh37 (hg19) VCF-style: chr9-6606669-T-C.
Identifiers: ClinVar variation 2082206 (VCV002082206.1), dbSNP rs762907682, ClinGen allele CA4981053.

ClinVar aggregate classification (germline): Uncertain significance (1 of 4 stars; one submission).

Conditions:
Glycine encephalopathy. Also called: Nonketotic hyperglycinemia; Non-ketotic hyperglycinemia. Identifiers: Orphanet 407, MedGen C0751748, MONDO:0011612, HP:0008288.

Allele frequency attached by ClinVar (database versions not stated): gnomAD 0.00001; gnomAD exomes 0.00001; TOPMed 0.00001; ExAC 0.00002.
gnomAD v4.1: 17 of 1,589,504 alleles (0.0011%); highest among the groups gnomAD compares: Admixed American, 0.0017%; no homozygotes.

Submission:

Labcorp Genetics (formerly Invitae), Labcorp
Classification: Uncertain significance for Glycine encephalopathy. Last evaluated: 2022-09-19. Review status: criteria provided, single submitter. Criteria: Invitae Variant Classification Sherloc (09022015). Collection method: clinical testing. Allele origin: germline.
Comment: This sequence change affects codon 212 of the GLDC mRNA. It is a 'silent' change, meaning that it does not change the encoded amino acid sequence of the GLDC protein. It affects a nucleotide within the consensus splice site. This variant is present in population databases (rs762907682, gnomAD 0.003%). This variant has not been reported in the literature in individuals affected with GLDC-related conditions. Variants that disrupt the consensus splice site are a relatively common cause of aberrant splicing (PMID: 17576681, 9536098). Algorithms developed to predict the effect of sequence changes on RNA splicing suggest that this variant is not likely to affect RNA splicing. In summary, the available evidence is currently insufficient to determine the role of this variant in disease. Therefore, it has been classified as a Variant of Uncertain Significance.

Literature cited by the submitters: PubMed 17576681; PubMed 9536098.